The following is an entry in ClinVar:

ClinVar aggregate classification (germline): Benign/Likely benign. Review status: criteria provided, multiple submitters, no conflicts (2 of 4 stars). 2 submissions from 2 submitters: Benign (1); Likely benign (1). Last evaluated 2025-02-04.

Conditions:
Lynch syndrome 4 (LYNCH4). Also called: Colorectal cancer, hereditary nonpolyposis, type 4; Hereditary non-polyposis colorectal cancer, type 4. Identifiers: Orphanet 144, MedGen C1838333, MONDO:0013699, OMIM 614337. Disease mechanism: loss of function.
Hereditary cancer-predisposing syndrome. Also called: Neoplastic Syndromes, Hereditary; Tumor predisposition; Hereditary neoplastic syndrome; Hereditary Cancer Syndrome. Identifiers: Orphanet 140162, MedGen C0027672, MeSH D009386, MONDO:0015356.

Submissions (2):

Myriad Genetics, Inc.
Classification: Benign for Lynch syndrome 4. Last evaluated: 2025-02-04. Review status: criteria provided, single submitter. Criteria: Myriad Autosomal Dominant, Autosomal Recessive and X-Linked Classification Criteria (2023). Collection method: clinical testing. Allele origin: unknown.
Comment: This variant is considered benign. This variant is a silent/synonymous amino acid change and it is not expected to impact splicing.

Ambry Genetics
Classification: Likely benign for Hereditary cancer-predisposing syndrome. Last evaluated: 2022-12-07. Review status: criteria provided, single submitter. Criteria: Ambry Variant Classification Scheme 2023. Collection method: clinical testing. Allele origin: germline.

NM_000535.7(PMS2):c.2308T>C (p.Leu770=)

Gene: PMS2 (PMS1 homolog 2, mismatch repair system component; minus strand). Cytogenetic location: 7p22.1.
Variant type: single nucleotide variant.
Coding change: c.2308T>C on transcript NM_000535.7 (MANE Select); coding-DNA position 2308, T replaced by C.
Protein change: p.Leu770=; no amino-acid change (leucine 770 retained).
Molecular consequence: synonymous variant. On other transcripts: intron variant (2).
Genome position (GRCh38, 1-based): chr7:5,977,725, A>G on the plus strand (T>C on the coding strand, the complement: PMS2 is on the minus strand). VCF-style: chr7-5977725-A-G. GRCh37 (hg19) VCF-style: chr7-6017356-A-G.
Other names: c.1903T>C, p.Leu635= (NM_001018040.1, NM_001322003.2, NM_001322004.2 and 12 more transcripts); c.2152T>C, p.Leu718= (NM_001322006.2); c.1990T>C, p.Leu664= (NM_001322007.2, NM_001322008.2, NM_001406883.1); c.1936T>C, p.Leu646= (NM_001322009.2, NM_001406887.1, NM_001406888.1); c.1747T>C, p.Leu583= (NM_001322010.2, NM_001406906.1, NM_001406907.1); c.1375T>C, p.Leu459= (NM_001322011.2, NM_001322012.2); c.1735T>C, p.Leu579= (NM_001322013.2, NM_001406908.1, NM_001406909.1); c.2341T>C, p.Leu781= (NM_001322014.2); and 20 more.
Identifiers: ClinVar variation 2451596 (VCV002451596.3), dbSNP rs2535336382, ClinGen allele CA453642463.